The following is an entry in ClinVar:

NM_005094.4(SLC27A4):c.1774G>A (p.Gly592Arg)

Gene: SLC27A4 (solute carrier family 27 member 4; plus strand). Cytogenetic location: 9q34.11.
Variant type: single nucleotide variant.
Coding change: c.1774G>A on transcript NM_005094.4 (MANE Select); coding-DNA position 1774, G replaced by A.
Protein change: p.Gly592Arg; replaces glycine 592 with arginine.
Molecular consequence: missense variant.
Genome position (GRCh38, 1-based): chr9:128,355,796, G>A. VCF-style: chr9-128355796-G-A. GRCh37 (hg19) VCF-style: chr9-131118075-G-A.
Other names: short protein forms G592R.
Identifiers: ClinVar variation 225105 (VCV000225105.4), dbSNP rs869312967, ClinGen allele CA358095.

ClinVar aggregate classification (germline): Pathogenic (1 of 4 stars; one submission).

Conditions:
Inborn genetic diseases. Identifiers: MedGen C0950123, MeSH D030342.

Submission:

Ambry Genetics
Classification: Pathogenic for Inborn genetic diseases. Last evaluated: 2013-02-24. Review status: criteria provided, single submitter. Criteria: Ambry Autosomal Dominant and X-Linked criteria (10/2015). Collection method: clinical testing. Allele origin: germline. Observed: 1 variant allele.
Comment: Please refer to Table 4 in the supplementary results.This nucleotide position is well conserved in available vertebrate species. Interestingly, chicken and Zebra finch also manifest the A allele at this position. It is unclear whether this gene is necessary for these species' survival. This amino acid position is well conserved in available vertebrate species.This alteration is predicted to be probably damaging with a score of 0.979 (sensitivity: 0.58; specificity: 0.94)This alteration is predicted to be deleterious with a score of 0.000 (conservation: 2.05)